The following is an entry in ClinVar:

NM_000545.8(HNF1A):c.691A>T (p.Thr231Ser)

Gene: HNF1A (HNF1 homeobox A; plus strand). Cytogenetic location: 12q24.31.
Variant type: single nucleotide variant.
Coding change: c.691A>T on transcript NM_000545.8 (MANE Select); coding-DNA position 691, A replaced by T.
Protein change: p.Thr231Ser; replaces threonine 231 with serine.
Molecular consequence: missense variant.
Genome position (GRCh38, 1-based): chr12:120,993,684, A>T. VCF-style: chr12-120993684-A-T. GRCh37 (hg19) VCF-style: chr12-121431487-A-T.
Other names: c.691A>T, p.Thr231Ser (NM_001306179.2, NM_001406915.1); c.691A>T (NM_000545.6); short protein forms T231S.
Identifiers: ClinVar variation 3574287 (VCV003574287.3).

ClinVar aggregate classification (germline): Uncertain significance. Review status: criteria provided, multiple submitters, no conflicts (2 of 4 stars). 3 submissions from 3 submitters: Uncertain significance (3). Last evaluated 2025-05-15.

Conditions:
HNF1A-related disorder. Also called: HNF1A-related condition.
Maturity-onset diabetes of the young type 3. Also called: MODY type 3; MODY, type III. Identifiers: Orphanet 552, MedGen C1838100, MeSH C563933, MONDO:0010894, OMIM 600496. Disease mechanism: loss of function.
Type 1 diabetes mellitus 20 (T1D20). Also called: Diabetes mellitus, insulin-dependent, 20. Identifiers: MedGen C2675866, MONDO:0012919, OMIM 612520.
Hepatic adenomas, familial. Also called: LIVER CELL ADENOMAS, FAMILIAL; HEPATIC ADENOMA, SOMATIC. Identifiers: MedGen C1840646, MONDO:0007718, OMIM 142330.
Diabetes mellitus type 1 (T1D). Also called: Type I diabetes mellitus; Diabetes Mellitus, Juvenile-Onset. Identifiers: MedGen C0011854, MONDO:0005147, OMIM 222100, HP:0100651.
Type 2 diabetes mellitus. Also called: Type II diabetes mellitus. Identifiers: MedGen C0011860, MeSH D003924, MONDO:0005148, OMIM 125853, HP:0005978.
Nonpapillary renal cell carcinoma. Identifiers: Orphanet 422526, MedGen CN074294, MONDO:0007763, OMIM 144700.

gnomAD v4.1: 9 of 1,613,904 alleles (0.00056%); highest among the groups gnomAD compares: Non-Finnish European, 0.00068%; no homozygotes.

Submissions (3):

PreventionGenetics, part of Exact Sciences
Classification: Uncertain significance for HNF1A-related condition. Last evaluated: 2025-05-15. Review status: criteria provided, single submitter. Criteria: ACMG Guidelines, 2015. Collection method: clinical testing. Allele origin: germline.
Comment: The HNF1A c.691A>T variant is predicted to result in the amino acid substitution p.Thr231Ser. To our knowledge, this variant has not been reported in the literature. This variant is reported in 0.00088% of alleles in individuals of European (Non-Finnish) descent in gnomAD. At this time, the clinical significance of this variant is uncertain due to the absence of conclusive functional and genetic evidence.

Fulgent Genetics
Classification: Uncertain significance for Type 2 diabetes mellitus; Hepatic adenomas, familial; Nonpapillary renal cell carcinoma; Diabetes mellitus type 1; Maturity-onset diabetes of the young type 3; Type 1 diabetes mellitus 20. Last evaluated: 2024-06-17. Review status: criteria provided, single submitter. Criteria: ACMG Guidelines, 2015. Collection method: clinical testing. Allele origin: germline.

Labcorp Genetics (formerly Invitae), Labcorp
Classification: Uncertain significance. Last evaluated: 2024-06-13. Review status: criteria provided, single submitter. Criteria: Invitae Variant Classification Sherloc (09022015). Collection method: clinical testing. Allele origin: germline.
Comment: This sequence change replaces threonine, which is neutral and polar, with serine, which is neutral and polar, at codon 231 of the HNF1A protein (p.Thr231Ser). This variant is present in population databases (rs748476966, gnomAD 0.0009%). This variant has not been reported in the literature in individuals affected with HNF1A-related conditions. Advanced modeling of protein sequence and biophysical properties (such as structural, functional, and spatial information, amino acid conservation, physicochemical variation, residue mobility, and thermodynamic stability) performed at Invitae indicates that this missense variant is not expected to disrupt HNF1A protein function with a negative predictive value of 80%. In summary, the available evidence is currently insufficient to determine the role of this variant in disease. Therefore, it has been classified as a Variant of Uncertain Significance.